The following is an entry in ClinVar:

ClinVar aggregate classification (germline): Uncertain significance. Review status: criteria provided, multiple submitters, no conflicts (2 of 4 stars). 2 submissions from 2 submitters: Uncertain significance (2). Last evaluated 2025-10-06.

Conditions:
Spermatogenic failure 18. Identifiers: MedGen C4539783, MONDO:0054615, OMIM 617576.
Ciliary dyskinesia, primary, 37 (CILD37). Also called: CILIARY DYSKINESIA, PRIMARY, 37, WITH OR WITHOUT SITUS INVERSUS. Identifiers: MedGen C4539798, MONDO:0033204, OMIM 617577.
DNAH1-related disorder. Also called: DNAH1-related condition.

Allele frequency attached by ClinVar (database versions not stated): gnomAD exomes 0.00001; ExAC 0.00002; gnomAD 0.00002 and 0.00003; TOPMed 0.00005.
gnomAD v4.1: 18 of 1,613,398 alleles (0.0011%); highest among the groups gnomAD compares: Admixed American, 0.0067%; no homozygotes.

Submissions (2):

PreventionGenetics, part of Exact Sciences
Classification: Uncertain significance for DNAH1-related condition. Last evaluated: 2025-10-06. Review status: criteria provided, single submitter. Criteria: ACMG Guidelines, 2015. Collection method: clinical testing. Allele origin: germline.
Comment: The DNAH1 c.3814C>T variant is predicted to result in the amino acid substitution p.Arg1272Trp. To our knowledge, this variant has not been reported in the literature. This variant is reported in 0.0057% of alleles in individuals of Latino descent in gnomAD. At this time, the clinical significance of this variant is uncertain due to the absence of conclusive functional and genetic evidence.

Labcorp Genetics (formerly Invitae), Labcorp
Classification: Uncertain significance for Ciliary dyskinesia, primary, 37; Spermatogenic failure 18. Last evaluated: 2021-02-10. Review status: criteria provided, single submitter. Criteria: Invitae Variant Classification Sherloc (09022015). Collection method: clinical testing. Allele origin: germline.
Comment: This variant is present in population databases (rs778942324, ExAC 0.01%). This sequence change replaces arginine with tryptophan at codon 1272 of the DNAH1 protein (p.Arg1272Trp). The arginine residue is highly conserved and there is a moderate physicochemical difference between arginine and tryptophan. This variant has not been reported in the literature in individuals with DNAH1-related disease. In summary, the available evidence is currently insufficient to determine the role of this variant in disease. Therefore, it has been classified as a Variant of Uncertain Significance. Algorithms developed to predict the effect of missense changes on protein structure and function do not agree on the potential impact of this missense change (SIFT: "Deleterious"; PolyPhen-2: "Probably Damaging"; Align-GVGD: "Class C15").

NM_015512.5(DNAH1):c.3814C>T (p.Arg1272Trp)

Gene: DNAH1 (dynein axonemal heavy chain 1; plus strand). Cytogenetic location: 3p21.1.
Variant type: single nucleotide variant.
Coding change: c.3814C>T on transcript NM_015512.5 (MANE Select); coding-DNA position 3814, C replaced by T.
Protein change: p.Arg1272Trp; replaces arginine 1272 with tryptophan.
Molecular consequence: missense variant.
Genome position (GRCh38, 1-based): chr3:52,356,734, C>T. VCF-style: chr3-52356734-C-T. GRCh37 (hg19) VCF-style: chr3-52390750-C-T.
Other names: c.3814C>T (NM_015512.4); short protein forms R1272W.
Identifiers: ClinVar variation 1396639 (VCV001396639.7), dbSNP rs778942324, ClinGen allele CA2433700.
Genomic context (GRCh38, chr3:52,356,734, plus strand): 5'-AGCTCTGAGGACATCAACCAGCAGCTGCCTGTGGAGAGCAAGCGCTACCAGACCATGGAG[C>T]GGATCTGGAAGAAGATCATGAAGAATGCCTACGAGAACCGGGAGGCAAGCTCAATGAGGG-3'
Protein context (NP_056327.4, residues 1262-1282): VESKRYQTME[Arg1272Trp]IWKKIMKNAY